The following is an entry in ClinVar:

NM_015570.4(AUTS2):c.153G>C (p.Ser51=)

Gene: AUTS2 (activator of transcription and developmental regulator AUTS2; plus strand). Cytogenetic location: 7q11.22.
Variant type: single nucleotide variant.
Coding change: c.153G>C on transcript NM_015570.4 (MANE Select); coding-DNA position 153, G replaced by C.
Protein change: p.Ser51=; no amino-acid change (serine 51 retained).
Molecular consequence: synonymous variant.
Genome position (GRCh38, 1-based): chr7:69,599,806, G>C. VCF-style: chr7-69599806-G-C. GRCh37 (hg19) VCF-style: chr7-69064792-G-C.
Other names: c.153G>C, p.Ser51= (NM_001127231.3, NM_001127232.3).
Identifiers: ClinVar variation 2657527 (VCV002657527.27), dbSNP rs746774405, ClinGen allele CA4280242.

ClinVar aggregate classification (germline): Likely benign. Review status: criteria provided, multiple submitters, no conflicts (2 of 4 stars). 2 submissions from 2 submitters: Likely benign (2). Last evaluated 2024-12-01.

Allele frequency attached by ClinVar (database versions not stated): ExAC 0.00004.
gnomAD v4.1: 17 of 1,597,812 alleles (0.0011%); highest among the groups gnomAD compares: East Asian, 0.014%; no homozygotes.

Submissions (2):

CeGaT Center for Human Genetics Tuebingen
Classification: Likely benign. Last evaluated: 2024-12-01. Review status: criteria provided, single submitter. Criteria: CeGaT Center For Human Genetics Tuebingen Variant Classification Criteria Version 2. Collection method: clinical testing. Allele origin: germline. Affected: yes. Observed: 3 variant alleles.
Comment: AUTS2: BP4, BP7

Labcorp Genetics (formerly Invitae), Labcorp
Classification: Likely benign. Last evaluated: 2024-01-18. Review status: criteria provided, single submitter. Criteria: Invitae Variant Classification Sherloc (09022015). Collection method: clinical testing. Allele origin: germline.